The following is an entry in ClinVar:

ClinVar aggregate classification (germline): Uncertain significance (1 of 4 stars; one submission).

Conditions:
Arrhythmogenic cardiomyopathy with wooly hair and keratoderma. Also called: PALMOPLANTAR KERATODERMA WITH LEFT VENTRICULAR CARDIOMYOPATHY AND WOOLLY HAIR; Carvajal syndrome; Arrhythmogenic cardiomyopathy with woolly hair and keratoderma; Dilated cardiomyopathy with woolly hair and keratoderma. Identifiers: Orphanet 65282, MedGen C1854063, MONDO:0011581, OMIM 605676.
Arrhythmogenic right ventricular dysplasia 8 (ARVD8). Also called: Arrhythmogenic Right Ventricular Dysplasia/Cardiomyopathy 8; ARRHYTHMOGENIC RIGHT VENTRICULAR CARDIOMYOPATHY 8; ARRHYTHMOGENIC RIGHT VENTRICULAR DYSPLASIA, FAMILIAL, 8. Identifiers: MedGen C1843896, MONDO:0011831, OMIM 607450.

Submission:

Labcorp Genetics (formerly Invitae), Labcorp
Classification: Uncertain significance for Arrhythmogenic cardiomyopathy with wooly hair and keratoderma; Arrhythmogenic right ventricular dysplasia 8. Last evaluated: 2022-07-23. Review status: criteria provided, single submitter. Criteria: Invitae Variant Classification Sherloc (09022015). Collection method: clinical testing. Allele origin: germline.
Comment: In summary, the available evidence is currently insufficient to determine the role of this variant in disease. Therefore, it has been classified as a Variant of Uncertain Significance. Experimental studies and prediction algorithms are not available or were not evaluated, and the effect of this variant on mRNA splicing is currently unknown. This variant has not been reported in the literature in individuals affected with DSP-related conditions. Information on the frequency of this variant in the gnomAD database is not available, as this variant may be reported differently in the database. This sequence change falls in intron 13 of the DSP gene. It does not directly change the encoded amino acid sequence of the DSP protein.

NM_004415.4(DSP):c.1702-16_1702-15delinsCT

Gene: DSP (desmoplakin; plus strand). Cytogenetic location: 6p24.3.
Variant type: Indel.
Coding change: c.1702-16_1702-15delinsCT on transcript NM_004415.4 (MANE Select); 16 bases into the intron before coding-DNA position 1702 through 15 bases into the intron before coding-DNA position 1702, GC replaced by CT.
Molecular consequence: intron variant.
Genome position (GRCh38, 1-based): chr6:7,571,367-7,571,368, GC replaced by CT. VCF-style: chr6-7571367-GC-CT. GRCh37 (hg19) VCF-style: chr6-7571600-GC-CT.
Other names: c.1702-16_1702-15delinsCT (NM_001319034.2, NM_001008844.3).
Identifiers: ClinVar variation 2019124 (VCV002019124.4), dbSNP rs2533893269, ClinGen allele CA2580075393.